The following is an entry in ClinVar:

ClinVar aggregate classification (germline): Uncertain significance. Review status: criteria provided, multiple submitters, no conflicts (2 of 4 stars). 3 submissions from 3 submitters: Uncertain significance (3). Last evaluated 2025-12-20.

Conditions:
Gastrointestinal stromal tumor. Also called: Gastrointestinal stromal tumor, somatic; Gastrointestinal stroma tumor. Identifiers: Orphanet 44890, MedGen C0238198, MeSH D046152, MONDO:0011719, OMIM 606764, HP:0100723.
Hereditary cancer-predisposing syndrome. Also called: Hereditary Cancer Syndrome; Tumor predisposition; Neoplastic Syndromes, Hereditary; Hereditary neoplastic syndrome. Identifiers: Orphanet 140162, MedGen C0027672, MeSH D009386, MONDO:0015356.

Allele frequency attached by ClinVar (database versions not stated): gnomAD exomes below 0.00001 and 0.00001; gnomAD 0.00001; TOPMed 0.00001; ExAC 0.00002.
gnomAD v4.1: 10 of 1,613,856 alleles (0.00062%); highest among the groups gnomAD compares: African/African-American, 0.0027%; no homozygotes.

Submissions (3):

Labcorp Genetics (formerly Invitae), Labcorp
Classification: Uncertain significance for Gastrointestinal stromal tumor. Last evaluated: 2025-12-20. Review status: criteria provided, single submitter. Criteria: Invitae Variant Classification Sherloc (09022015). Collection method: clinical testing. Allele origin: germline.
Comment: This sequence change replaces proline, which is neutral and non-polar, with leucine, which is neutral and non-polar, at codon 577 of the PDGFRA protein (p.Pro577Leu). This variant is present in population databases (rs778015444, gnomAD 0.007%). This variant has not been reported in the literature in individuals affected with PDGFRA-related conditions. ClinVar contains an entry for this variant (Variation ID: 583318). Invitae Evidence Modeling of protein sequence and biophysical properties (such as structural, functional, and spatial information, amino acid conservation, physicochemical variation, residue mobility, and thermodynamic stability) has been performed for this missense variant. However, the output from this modeling did not meet the statistical confidence thresholds required to predict the impact of this variant on PDGFRA protein function. In summary, the available evidence is currently insufficient to determine the role of this variant in disease. Therefore, it has been classified as a Variant of Uncertain Significance.

Ambry Genetics
Classification: Uncertain significance for Hereditary cancer-predisposing syndrome. Last evaluated: 2024-09-18. Review status: criteria provided, single submitter. Criteria: Ambry Variant Classification Scheme 2023. Collection method: clinical testing. Allele origin: germline.
Comment: The p.P577L variant (also known as c.1730C>T), located in coding exon 11 of the PDGFRA gene, results from a C to T substitution at nucleotide position 1730. The proline at codon 577 is replaced by leucine, an amino acid with similar properties. This amino acid position is highly conserved in available vertebrate species. In addition, this alteration is predicted to be deleterious by in silico analysis. Based on the available evidence, the clinical significance of this variant remains unclear.

GeneDx
Classification: Uncertain significance. Last evaluated: 2023-10-19. Review status: criteria provided, single submitter. Criteria: GeneDx Variant Classification Process June 2021. Collection method: clinical testing. Allele origin: germline. Affected: yes.
Comment: Not observed at significant frequency in large population cohorts (gnomAD); In silico analysis supports that this missense variant has a deleterious effect on protein structure/function; Has not been previously published as pathogenic or benign to our knowledge

NM_006206.6(PDGFRA):c.1730C>T (p.Pro577Leu)

Gene: PDGFRA (platelet derived growth factor receptor alpha; plus strand). Cytogenetic location: 4q12.
Variant type: single nucleotide variant.
Coding change: c.1730C>T on transcript NM_006206.6 (MANE Select); coding-DNA position 1730, C replaced by T.
Protein change: p.Pro577Leu; replaces proline 577 with leucine.
Molecular consequence: missense variant.
Genome position (GRCh38, 1-based): chr4:54,274,917, C>T. VCF-style: chr4-54274917-C-T. GRCh37 (hg19) VCF-style: chr4-55141084-C-T.
Other names: c.1730C>T, p.Pro577Leu (NM_001347827.2, NM_001347829.2); c.1805C>T, p.Pro602Leu (NM_001347828.2); c.1769C>T, p.Pro590Leu (NM_001347830.2); short protein forms P577L, P602L, P590L.
Identifiers: ClinVar variation 583318 (VCV000583318.16), dbSNP rs778015444, ClinGen allele CA2922666.